The following is an entry in ClinVar:

NM_000548.5(TSC2):c.4478C>A (p.Pro1493Gln)

Gene: TSC2 (TSC complex subunit 2; plus strand). Cytogenetic location: 16p13.3.
Variant type: single nucleotide variant.
Coding change: c.4478C>A on transcript NM_000548.5 (MANE Select); coding-DNA position 4478, C replaced by A.
Protein change: p.Pro1493Gln; replaces proline 1493 with glutamine.
Molecular consequence: missense variant.
Genome position (GRCh38, 1-based): chr16:2,084,700, C>A. VCF-style: chr16-2084700-C-A. GRCh37 (hg19) VCF-style: chr16-2134701-C-A.
Other names: c.3746C>A, p.Pro1249Gln (NM_001318831.2); c.4310C>A, p.Pro1437Gln (NM_001318832.2); c.4280C>A, p.Pro1427Gln (NM_001363528.2); c.4346C>A, p.Pro1449Gln (NM_001370404.1); c.4349C>A, p.Pro1450Gln (NM_001370405.1, NM_021055.3); c.4277C>A, p.Pro1426Gln (NM_001077183.3); c.4409C>A, p.Pro1470Gln (NM_001114382.3); c.4169C>A, p.Pro1390Gln (NM_001318827.2); and 1 more; short protein forms P1249Q, P1378Q, P1390Q, P1426Q, P1427Q, P1437Q, P1449Q, P1450Q.
Identifiers: ClinVar variation 1005703 (VCV001005703.8), dbSNP rs2090543900, ClinGen allele CA394302557.
Genomic context (GRCh38, chr16:2,084,700, plus strand): 5'-AGAGAGTAGAGAGGGACGCCTTAAAGAGCAGAGCCACAGCCTCCAATGCAGAGAAAGTGC[C>A]AGGCATCAACCCCAGGTGGGCCTCTTGCTTCCGGGCGGGGCTCCTGACACCTCTCCTGCG-3'
Protein context (NP_000539.2, residues 1483-1503): RATASNAEKV[Pro1493Gln]GINPSFVFLQ

ClinVar aggregate classification (germline): Uncertain significance (1 of 4 stars; one submission).

Conditions:
Tuberous sclerosis 2 (TSC2). Identifiers: Orphanet 805, MedGen C1860707, MONDO:0013199, OMIM 613254.

Submission:

Labcorp Genetics (formerly Invitae), Labcorp
Classification: Uncertain significance for Tuberous sclerosis 2. Last evaluated: 2020-04-15. Review status: criteria provided, single submitter. Criteria: Invitae Variant Classification Sherloc (09022015). Collection method: clinical testing. Allele origin: germline.
Comment: This variant has not been reported in the literature in individuals with TSC2-related conditions. This sequence change replaces proline with glutamine at codon 1493 of the TSC2 protein (p.Pro1493Gln). The proline residue is moderately conserved and there is a moderate physicochemical difference between proline and glutamine. This variant is not present in population databases (ExAC no frequency). Algorithms developed to predict the effect of missense changes on protein structure and function are either unavailable or do not agree on the potential impact of this missense change (SIFT: "Deleterious"; PolyPhen-2: "Probably Damaging"; Align-GVGD: "Class C0"). In summary, the available evidence is currently insufficient to determine the role of this variant in disease. Therefore, it has been classified as a Variant of Uncertain Significance.